The following is an entry in ClinVar:

ClinVar aggregate classification (germline): Conflicting classifications of pathogenicity. Review status: criteria provided, conflicting classifications (1 of 4 stars). 6 submissions from 6 submitters: Uncertain significance (4); Likely benign (1). 1 of the submissions does not count toward it. Last evaluated 2026-01-24.

Conditions:
SERPINA1-related disorder. Also called: SERPINA1-related condition; SerpinA1-related disorders.
Alpha-1-antitrypsin deficiency (A1ATD). Also called: AAT deficiency; A1AT deficiency; Alpha1-Antitrypsin Deficiency. Identifiers: Orphanet 60, MedGen C0221757, MONDO:0013282, OMIM 613490.

Allele frequency attached by ClinVar (database versions not stated): 1000 Genomes Project 0.00060; TOPMed 0.00060; 1000 Genomes Project 30x 0.00062; ESP Exome Variant Server 0.00069.
gnomAD v4.1: 1,588 of 1,614,258 alleles (0.098%); highest among the groups gnomAD compares: South Asian, 0.2%; 9 homozygotes.

Submissions (6):

Labcorp Genetics (formerly Invitae), Labcorp
Classification: Likely benign for Alpha-1-antitrypsin deficiency. Last evaluated: 2026-01-24. Review status: criteria provided, single submitter. Criteria: Invitae Variant Classification Sherloc (09022015). Collection method: clinical testing. Allele origin: germline.

Mayo Clinic Laboratories, Mayo Clinic
Classification: Uncertain significance. Last evaluated: 2024-05-09. Review status: criteria provided, single submitter. Criteria: ACMG Guidelines, 2015. Collection method: clinical testing. Allele origin: germline. Observed: 2 variant alleles.

CeGaT Center for Human Genetics Tuebingen
Classification: Uncertain significance. Last evaluated: 2019-05-01. Review status: criteria provided, single submitter. Criteria: CeGaT Center For Human Genetics Tuebingen Variant Classification Criteria Version 2. Collection method: clinical testing. Allele origin: germline. Affected: yes. Observed: 3 variant alleles.

Eurofins Ntd Llc (ga)
Classification: Uncertain significance. Last evaluated: 2018-03-26. Review status: criteria provided, single submitter. Criteria: EGL ClinVar v180209 classification definitions. Collection method: clinical testing. Allele origin: germline. Observed: 4 variant alleles, 4 heterozygotes.

Illumina Laboratory Services, Illumina
Classification: Uncertain significance for Alpha-1-antitrypsin deficiency. Last evaluated: 2017-04-27. Review status: criteria provided, single submitter. Criteria: ICSL Variant Classification Criteria 13 December 2019. Collection method: clinical testing. Allele origin: germline.

PreventionGenetics, part of Exact Sciences
Classification: Likely benign for SERPINA1-related condition. Last evaluated: 2019-03-26. Review status: no assertion criteria provided. Collection method: clinical testing. Allele origin: germline. Not counted in ClinVar's aggregate classification.
Comment: This variant is classified as likely benign based on ACMG/AMP sequence variant interpretation guidelines (Richards et al. 2015 PMID: 25741868, with internal and published modifications).

Literature cited by the submitters: PubMed 2309708 (cited by Mayo Clinic Laboratories, Mayo Clinic); PubMed 27296815 (cited by Mayo Clinic Laboratories, Mayo Clinic); PubMed 30254761 (cited by Mayo Clinic Laboratories, Mayo Clinic); PubMed 31661293 (cited by Mayo Clinic Laboratories, Mayo Clinic); PubMed 37277845 (cited by Mayo Clinic Laboratories, Mayo Clinic); PubMed 7977369 (cited by Mayo Clinic Laboratories, Mayo Clinic).

NM_000295.5(SERPINA1):c.514G>T (p.Gly172Trp)

Gene: SERPINA1 (serpin family A member 1; minus strand). Cytogenetic location: 14q32.13.
Variant type: single nucleotide variant.
Coding change: c.514G>T on transcript NM_000295.5 (MANE Select); coding-DNA position 514, G replaced by T.
Protein change: p.Gly172Trp; replaces glycine 172 with tryptophan.
Molecular consequence: missense variant.
Genome position (GRCh38, 1-based): chr14:94,382,724, C>A on the plus strand (G>T on the coding strand, the complement: SERPINA1 is on the minus strand). VCF-style: chr14-94382724-C-A. GRCh37 (hg19) VCF-style: chr14-94849061-C-A.
Other names: p.Gly172Trp; c.514G>T, p.Gly172Trp (NM_001002235.3, NM_001002236.3, NM_001127700.2 and 7 more transcripts); short protein forms G172W.
Identifiers: ClinVar variation 458846 (VCV000458846.63), dbSNP rs112030253, ClinGen allele CA7327480.